The following is an entry in ClinVar:

NM_001032283.3(TMPO):c.565+1997G>A

Gene: TMPO (thymopoietin; plus strand). Cytogenetic location: 12q23.1.
Variant type: single nucleotide variant.
Coding change: c.565+1997G>A on transcript NM_001032283.3 (MANE Select); 1997 bases into the intron after coding-DNA position 565, G replaced by A.
Molecular consequence: intron variant. On other transcripts: synonymous variant (1).
Genome position (GRCh38, 1-based): chr12:98,533,835, G>A. VCF-style: chr12-98533835-G-A. GRCh37 (hg19) VCF-style: chr12-98927613-G-A.
Other names: c.1578G>A, p.Glu526= (NM_003276.2); c.565+1997G>A (NM_001307975.2, NM_001032284.3).
Identifiers: ClinVar variation 517737 (VCV000517737.10), dbSNP rs375056835, ClinGen allele CA6732434.
Genomic context (GRCh38, chr12:98,533,835, plus strand): 5'-GCAGCAAGTTGACAGGCAGCTGCCTTCACTGGCATGCAAATATCCAGTTTCTTCCAGGGA[G>A]GCAACACAGATATTATCAGTTCCAAAAGTAGATGATGAAATCCTAGGGTTTATTTCTGAA-3'

ClinVar aggregate classification (germline): Likely benign. Review status: criteria provided, multiple submitters, no conflicts (2 of 4 stars). 3 submissions from 3 submitters: Likely benign (3). Last evaluated 2024-05-19.

Conditions:
Loeys-Dietz syndrome 2 (LDS2). Also called: TGFBR2-Related Loeys-Dietz Syndrome; AORTIC ANEURYSM, FAMILIAL THORACIC 3; MARFAN SYNDROME, TYPE II; Marfan syndrome, type 2 (formerly); Marfan Syndrome type 2; Marfan like connective tissue disorder. Identifiers: Orphanet 284973, Orphanet 558, MedGen C2674574, MONDO:0012427, OMIM 610168.

Allele frequency attached by ClinVar (database versions not stated): gnomAD 0.00001; gnomAD exomes 0.00001 and 0.00002; TOPMed 0.00001; ExAC 0.00002; ESP Exome Variant Server 0.00015.

Submissions (3):

Ambry Genetics
Classification: Likely benign. Last evaluated: 2024-05-19. Review status: criteria provided, single submitter. Criteria: Ambry Variant Classification Scheme 2023. Collection method: clinical testing. Allele origin: germline.

Labcorp Genetics (formerly Invitae), Labcorp
Classification: Likely benign for Loeys-Dietz syndrome 2. Last evaluated: 2022-04-09. Review status: criteria provided, single submitter. Criteria: Invitae Variant Classification Sherloc (09022015). Collection method: clinical testing. Allele origin: germline.

GeneDx
Classification: Likely benign. Last evaluated: 2017-02-16. Review status: criteria provided, single submitter. Criteria: GeneDx Variant Classification (06012015). Collection method: clinical testing. Allele origin: germline. Affected: yes.
Comment: This variant is considered likely benign or benign based on one or more of the following criteria: it is a conservative change, it occurs at a poorly conserved position in the protein, it is predicted to be benign by multiple in silico algorithms, and/or has population frequency not consistent with disease.